The following is an entry in ClinVar:

NM_005035.4(POLRMT):c.3528C>T (p.Ser1176=)

Gene: POLRMT (RNA polymerase mitochondrial; minus strand). Cytogenetic location: 19p13.3.
Variant type: single nucleotide variant.
Coding change: c.3528C>T on transcript NM_005035.4 (MANE Select); coding-DNA position 3528, C replaced by T.
Protein change: p.Ser1176=; no amino-acid change (serine 1176 retained).
Molecular consequence: synonymous variant. On other transcripts: non-coding transcript variant (1).
Genome position (GRCh38, 1-based): chr19:617,623, G>A on the plus strand (C>T on the coding strand, the complement: POLRMT is on the minus strand). VCF-style: chr19-617623-G-A. GRCh37 (hg19) VCF-style: chr19-617623-G-A.
Other names: c.3549C>T, p.Ser1183= (NM_001407805.1); c.3540C>T, p.Ser1180= (NM_001407806.1); c.3537C>T, p.Ser1179= (NM_001407807.1, NM_001407808.1); c.3519C>T, p.Ser1173= (NM_001407809.1); c.3516C>T, p.Ser1172= (NM_001407810.1); c.3507C>T, p.Ser1169= (NM_001407811.1); c.3489C>T, p.Ser1163= (NM_001407812.1); c.3486C>T, p.Ser1162= (NM_001407813.1); and 10 more.
Identifiers: ClinVar variation 2648848 (VCV002648848.24), dbSNP rs199912442, ClinGen allele CA9019129.

ClinVar aggregate classification (germline): Likely benign (1 of 4 stars; one submission).

Allele frequency attached by ClinVar (database versions not stated): gnomAD exomes 0.00026; gnomAD 0.00049; TOPMed 0.00051; ExAC 0.00081; 1000 Genomes Project 30x 0.00141; 1000 Genomes Project 0.00160.
gnomAD v4.1: 454 of 1,612,368 alleles (0.028%); highest among the groups gnomAD compares: East Asian, 0.59%; 3 homozygotes.

Submission:

CeGaT Center for Human Genetics Tuebingen
Classification: Likely benign. Last evaluated: 2022-08-01. Review status: criteria provided, single submitter. Criteria: CeGaT Center For Human Genetics Tuebingen Variant Classification Criteria Version 2. Collection method: clinical testing. Allele origin: germline. Affected: yes. Observed: 1 variant allele.
Comment: POLRMT: BP4, BP7